The following is an entry in ClinVar:

NM_001308093.3(GATA4):c.464C>T (p.Ala155Val)

Gene: GATA4 (GATA binding protein 4). Cytogenetic location: 8p23.1.
Variant type: single nucleotide variant.
Coding change: c.464C>T on transcript NM_001308093.3 (MANE Select); coding-DNA position 464, C replaced by T.
Protein change: p.Ala155Val; replaces alanine 155 with valine.
Molecular consequence: missense variant. On other transcripts: intron variant (3).
Genome position (GRCh38, 1-based): chr8:11,708,776, C>T. VCF-style: chr8-11708776-C-T. GRCh37 (hg19) VCF-style: chr8-11566285-C-T.
Other names: c.464C>T, p.Ala155Val (NM_002052.5); c.-6+7998C>T (NM_001308094.2); c.-3+762C>T (NM_001374274.1); c.-3+4472C>T (NM_001374273.1); c.464C>T (NM_002052.3); short protein forms A155V.
Identifiers: ClinVar variation 1056679 (VCV001056679.10), dbSNP rs1800021074, ClinGen allele CA370309678.

ClinVar aggregate classification (germline): Uncertain significance. Review status: criteria provided, multiple submitters, no conflicts (2 of 4 stars). 2 submissions from 2 submitters: Uncertain significance (2). Last evaluated 2025-12-22.

Conditions:
Cardiovascular phenotype. Identifiers: MedGen CN230736.
Atrioventricular septal defect 4 (AVSD4). Identifiers: MedGen C3280781, MONDO:0013747, OMIM 614430.

Allele frequency attached by ClinVar (database versions not stated): TOPMed below 0.00001; gnomAD 0.00001.

Submissions (2):

Labcorp Genetics (formerly Invitae), Labcorp
Classification: Uncertain significance for Atrioventricular septal defect 4. Last evaluated: 2025-12-22. Review status: criteria provided, single submitter. Criteria: Invitae Variant Classification Sherloc (09022015). Collection method: clinical testing. Allele origin: germline.
Comment: This sequence change replaces alanine, which is neutral and non-polar, with valine, which is neutral and non-polar, at codon 155 of the GATA4 protein (p.Ala155Val). This variant is not present in population databases (gnomAD no frequency). This variant has not been reported in the literature in individuals affected with GATA4-related conditions. ClinVar contains an entry for this variant (Variation ID: 1056679). Invitae Evidence Modeling of protein sequence and biophysical properties (such as structural, functional, and spatial information, amino acid conservation, physicochemical variation, residue mobility, and thermodynamic stability) indicates that this missense variant is not expected to disrupt GATA4 protein function with a negative predictive value of 95%. In summary, the available evidence is currently insufficient to determine the role of this variant in disease. Therefore, it has been classified as a Variant of Uncertain Significance.

Ambry Genetics
Classification: Uncertain significance for Cardiovascular phenotype. Last evaluated: 2024-04-04. Review status: criteria provided, single submitter. Criteria: Ambry Variant Classification Scheme 2023. Collection method: clinical testing. Allele origin: germline.
Comment: The p.A155V variant (also known as c.464C>T), located in coding exon 1 of the GATA4 gene, results from a C to T substitution at nucleotide position 464. The alanine at codon 155 is replaced by valine, an amino acid with similar properties. This amino acid position is conserved. In addition, the in silico prediction for this alteration is inconclusive. Based on the available evidence, the clinical significance of this variant remains unclear.